The following is an entry in ClinVar:

NM_003640.5(ELP1):c.2081del (p.Gly694fs)

Gene: ELP1 (elongator acetyltransferase complex subunit 1; minus strand). Cytogenetic location: 9q31.3.
Variant type: Deletion.
Coding change: c.2081del on transcript NM_003640.5 (MANE Select); coding-DNA position 2081, one base deleted (G; older notation c.2081delG).
Protein change: p.Gly694fs; shifts the reading frame from glycine 694.
Molecular consequence: frameshift variant.
Genome position (GRCh38, 1-based): chr9:108,900,309, C deleted on the plus strand (G on the coding strand, the reverse complement: ELP1 is on the minus strand); the first of 4 consecutive C bases (chr9:108,900,309-108,900,312); deleting any one gives the same sequence. VCF-style (leftmost placement, unchanged base first): chr9-108900308-AC-A. GRCh37 (hg19) VCF-style: chr9-111662588-AC-A.
Other names: c.1739del, p.Gly580fs (NM_001318360.2); c.1034del, p.Gly345fs (NM_001330749.2); short protein forms G345fs, G580fs, G694fs.
Identifiers: ClinVar variation 4067198 (VCV004067198.2).

ClinVar aggregate classification (germline): Likely pathogenic (1 of 4 stars; one submission).

Conditions:
Familial dysautonomia. Also called: FD; HSAN III. Identifiers: Orphanet 1764, MedGen C0013364, MONDO:0009131, OMIM 223900. Disease mechanism: loss of function.

Submission:

Natera, Inc.
Classification: Likely pathogenic for Familial dysautonomia. Last evaluated: 2025-04-20. Review status: criteria provided, single submitter. Criteria: Natera Variant Classification Schema (03/2026). Collection method: clinical testing. Allele origin: germline.
Comment: The c.2081del variant in ELP1 is a frameshift variant predicted to shift the reading frame beginning at codon 694 and leads to a stop codon 23 codons downstream. This variant is expected to result in nonsense mediated decay, truncation, or a dysfunctional protein product. This variant is rare in the general population with a frequency below the threshold expected for the associated phenotype(s). Given the available evidence, this variant is classified as Likely Pathogenic.